The following is an entry in ClinVar:

ClinVar aggregate classification (germline): Uncertain significance. Review status: criteria provided, multiple submitters, no conflicts (2 of 4 stars). 4 submissions from 4 submitters: Uncertain significance (4). Last evaluated 2024-11-01.

Conditions:
Inborn genetic diseases. Identifiers: MedGen C0950123, MeSH D030342.
Sandhoff disease. Also called: Beta-hexosaminidase-beta-subunit deficiency; GM2 gangliosidosis, type 2; Total hexosaminidase deficiency; Sandhoff-Jatzkewitz-Pilz disease; GM2-GANGLIOSIDOSIS, TYPE II; HEXOSAMINIDASES A AND B DEFICIENCY. Identifiers: Orphanet 796, MedGen C0036161, MONDO:0010006, OMIM 268800.

Allele frequency attached by ClinVar (database versions not stated): ExAC 0.00005; TOPMed 0.00006; gnomAD 0.00007; ESP Exome Variant Server 0.00008; gnomAD exomes 0.00009.
gnomAD v4.1: 126 of 1,447,390 alleles (0.0087%); highest among the groups gnomAD compares: Non-Finnish European, 0.012%; 1 homozygote.

Submissions (4):

CeGaT Center for Human Genetics Tuebingen
Classification: Uncertain significance. Last evaluated: 2024-11-01. Review status: criteria provided, single submitter. Criteria: CeGaT Center For Human Genetics Tuebingen Variant Classification Criteria Version 2. Collection method: clinical testing. Allele origin: germline. Affected: yes. Observed: 1 variant allele.

Ambry Genetics
Classification: Uncertain significance for Inborn genetic diseases. Last evaluated: 2024-10-16. Review status: criteria provided, single submitter. Criteria: Ambry Variant Classification Scheme 2023. Collection method: clinical testing. Allele origin: germline.

Mayo Clinic Laboratories, Mayo Clinic
Classification: Uncertain significance. Last evaluated: 2024-06-24. Review status: criteria provided, single submitter. Criteria: ACMG Guidelines, 2015. Collection method: clinical testing. Allele origin: germline. Observed: 1 variant allele.

Labcorp Genetics (formerly Invitae), Labcorp
Classification: Uncertain significance for Sandhoff disease. Last evaluated: 2022-08-03. Review status: criteria provided, single submitter. Criteria: Invitae Variant Classification Sherloc (09022015). Collection method: clinical testing. Allele origin: germline.
Comment: This sequence change replaces tyrosine, which is neutral and polar, with cysteine, which is neutral and slightly polar, at codon 180 of the HEXB protein (p.Tyr180Cys). This variant is present in population databases (rs200962082, gnomAD 0.01%). This variant has not been reported in the literature in individuals affected with HEXB-related conditions. Algorithms developed to predict the effect of missense changes on protein structure and function are either unavailable or do not agree on the potential impact of this missense change (SIFT: "Deleterious"; PolyPhen-2: "Possibly Damaging"; Align-GVGD: "Class C15"). In summary, the available evidence is currently insufficient to determine the role of this variant in disease. Therefore, it has been classified as a Variant of Uncertain Significance.

NM_000521.4(HEXB):c.539A>G (p.Tyr180Cys)

Gene: HEXB (hexosaminidase subunit beta; plus strand). Cytogenetic location: 5q13.3.
Variant type: single nucleotide variant.
Coding change: c.539A>G on transcript NM_000521.4 (MANE Select); coding-DNA position 539, A replaced by G.
Protein change: p.Tyr180Cys; replaces tyrosine 180 with cysteine.
Molecular consequence: missense variant. On other transcripts: 5 prime UTR variant (1).
Genome position (GRCh38, 1-based): chr5:74,696,720, A>G. VCF-style: chr5-74696720-A-G. GRCh37 (hg19) VCF-style: chr5-73992545-A-G.
Other names: p.Tyr180Cys; c.539A>G (NM_000521.3); c.-137A>G (NM_001292004.2); short protein forms Y180C.
Identifiers: ClinVar variation 2191135 (VCV002191135.17), dbSNP rs200962082, ClinGen allele CA3305868.